The following is an entry in ClinVar:

NM_139343.3(BIN1):c.1132-6_1132-4dup

Gene: BIN1 (bridging integrator 1; minus strand). Cytogenetic location: 2q14.3.
Variant type: Duplication.
Coding change: c.1132-6_1132-4dup on transcript NM_139343.3 (MANE Select); 6 bases into the intron before coding-DNA position 1132 through 4 bases into the intron before coding-DNA position 1132, 3 bases duplicated (GCC; older notation c.1132-6_1132-4dupGCC).
Molecular consequence: intron variant.
Genome position (GRCh38, 1-based): chr2:127,054,016-127,054,018, GGC duplicated on the plus strand (GCC on the coding strand, the reverse complement: BIN1 is on the minus strand). VCF-style (leftmost placement, unchanged base first): chr2-127054015-T-TGGC. GRCh37 (hg19) VCF-style: chr2-127811591-T-TGGC.
Other names: c.1051-6_1051-4dup (NM_001320642.1); c.838-3106_838-3104dup (NM_001320634.1); c.910-3106_910-3104dup (NM_139351.3); c.910-2775_910-2773dup (NM_139350.3); c.910-1656_910-1654dup (NM_139349.3); c.1039-2775_1039-2773dup (NM_139348.3); c.1039-1656_1039-1654dup (NM_139347.3); c.1039-6_1039-4dup (NM_001320641.2); and 8 more.
Identifiers: ClinVar variation 662043 (VCV000662043.24), dbSNP rs765093741, ClinGen allele CA1857169.

ClinVar aggregate classification (germline): Conflicting classifications of pathogenicity. Review status: criteria provided, conflicting classifications (1 of 4 stars). 3 submissions from 3 submitters: Uncertain significance (2); Likely benign (1). Last evaluated 2025-10-26.

Conditions:
Myopathy, centronuclear, 2 (CNM2). Also called: MYOTUBULAR MYOPATHY, AUTOSOMAL RECESSIVE. Identifiers: Orphanet 169186, MedGen CN031787, MONDO:0009709, OMIM 255200.

Allele frequency attached by ClinVar (database versions not stated): gnomAD 0.00005; gnomAD exomes 0.00006 and 0.00008; TOPMed 0.00009; ExAC 0.00015.

Submissions (3):

Labcorp Genetics (formerly Invitae), Labcorp
Classification: Likely benign for Myopathy, centronuclear, 2. Last evaluated: 2025-10-26. Review status: criteria provided, single submitter. Criteria: Invitae Variant Classification Sherloc (09022015). Collection method: clinical testing. Allele origin: germline.

CeGaT Center for Human Genetics Tuebingen
Classification: Uncertain significance. Last evaluated: 2025-01-01. Review status: criteria provided, single submitter. Criteria: CeGaT Center For Human Genetics Tuebingen Variant Classification Criteria Version 2. Collection method: clinical testing. Allele origin: germline. Affected: yes. Observed: 1 variant allele.
Comment: BIN1: PM2, BP4

GeneDx
Classification: Uncertain significance. Last evaluated: 2024-07-09. Review status: criteria provided, single submitter. Criteria: GeneDx Variant Classification Process June 2021. Collection method: clinical testing. Allele origin: germline. Affected: yes.
Comment: Has not been previously published as pathogenic or benign to our knowledge; In silico analysis is inconclusive as to whether the variant alters gene splicing. In the absence of RNA/functional studies, the actual effect of this sequence change is unknown.